The following is an entry in ClinVar:

ClinVar aggregate classification (germline): Uncertain significance (1 of 4 stars; one submission).

Submission:

Labcorp Genetics (formerly Invitae), Labcorp
Classification: Uncertain significance. Last evaluated: 2025-08-11. Review status: criteria provided, single submitter. Criteria: Invitae Variant Classification Sherloc (09022015). Collection method: clinical testing. Allele origin: germline.
Comment: This sequence change replaces proline, which is neutral and non-polar, with serine, which is neutral and polar, at codon 530 of the CLTC protein (p.Pro530Ser). This variant is not present in population databases (gnomAD no frequency). This variant has not been reported in the literature in individuals affected with CLTC-related conditions. ClinVar contains an entry for this variant (Variation ID: 2693947). Invitae Evidence Modeling of protein sequence and biophysical properties (such as structural, functional, and spatial information, amino acid conservation, physicochemical variation, residue mobility, and thermodynamic stability) indicates that this missense variant is not expected to disrupt CLTC protein function with a negative predictive value of 80%. In summary, the available evidence is currently insufficient to determine the role of this variant in disease. Therefore, it has been classified as a Variant of Uncertain Significance.

NM_004859.4(CLTC):c.1576C>T (p.Pro526Ser)

Gene: CLTC (clathrin heavy chain; plus strand). Cytogenetic location: 17q23.1.
Variant type: single nucleotide variant.
Coding change: c.1576C>T on transcript NM_004859.4 (MANE Select); coding-DNA position 1576, C replaced by T.
Protein change: p.Pro526Ser; replaces proline 526 with serine.
Molecular consequence: missense variant.
Genome position (GRCh38, 1-based): chr17:59,664,841, C>T. VCF-style: chr17-59664841-C-T. GRCh37 (hg19) VCF-style: chr17-57742202-C-T.
Other names: c.1588C>T, p.Pro530Ser (NM_001288653.2); short protein forms P530S, P526S.
Identifiers: ClinVar variation 2693947 (VCV002693947.3), dbSNP rs2032692063, ClinGen allele CA400426757.